The following is an entry in ClinVar:

ClinVar aggregate classification (germline): Uncertain significance. Review status: criteria provided, multiple submitters, no conflicts (2 of 4 stars). 2 submissions from 2 submitters: Uncertain significance (2). Last evaluated 2024-06-11.

Conditions:
Inborn genetic diseases. Identifiers: MedGen C0950123, MeSH D030342.

Allele frequency attached by ClinVar (database versions not stated): gnomAD 0.00005 and 0.00007; ExAC 0.00009; gnomAD exomes 0.00009.
gnomAD v4.1: 153 of 1,614,002 alleles (0.0095%); highest among the groups gnomAD compares: South Asian, 0.054%; no homozygotes.

Submissions (2):

Ambry Genetics
Classification: Uncertain significance for Inborn genetic diseases. Last evaluated: 2024-06-11. Review status: criteria provided, single submitter. Criteria: Ambry Variant Classification Scheme 2023. Collection method: clinical testing. Allele origin: germline.

Labcorp Genetics (formerly Invitae), Labcorp
Classification: Uncertain significance. Last evaluated: 2022-12-06. Review status: criteria provided, single submitter. Criteria: Invitae Variant Classification Sherloc (09022015). Collection method: clinical testing. Allele origin: germline.
Comment: In summary, the available evidence is currently insufficient to determine the role of this variant in disease. Therefore, it has been classified as a Variant of Uncertain Significance. Algorithms developed to predict the effect of missense changes on protein structure and function are either unavailable or do not agree on the potential impact of this missense change (SIFT: "Tolerated"; PolyPhen-2: "Possibly Damaging"; Align-GVGD: "Class C0"). ClinVar contains an entry for this variant (Variation ID: 1386969). This variant has not been reported in the literature in individuals affected with HSPG2-related conditions. This variant is present in population databases (rs745592532, gnomAD 0.06%). This sequence change replaces arginine, which is basic and polar, with histidine, which is basic and polar, at codon 587 of the HSPG2 protein (p.Arg587His).

NM_005529.7(HSPG2):c.1760G>A (p.Arg587His)

Gene: HSPG2 (heparan sulfate proteoglycan 2; minus strand). Cytogenetic location: 1p36.12.
Variant type: single nucleotide variant.
Coding change: c.1760G>A on transcript NM_005529.7 (MANE Select); coding-DNA position 1760, G replaced by A.
Protein change: p.Arg587His; replaces arginine 587 with histidine.
Molecular consequence: missense variant.
Genome position (GRCh38, 1-based): chr1:21,881,397, C>T on the plus strand (G>A on the coding strand, the complement: HSPG2 is on the minus strand). VCF-style: chr1-21881397-C-T. GRCh37 (hg19) VCF-style: chr1-22207890-C-T.
Other names: c.1763G>A, p.Arg588His (NM_001291860.2); c.1760G>A (NM_005529.5); short protein forms R587H, R588H.
Identifiers: ClinVar variation 1386969 (VCV001386969.7), dbSNP rs745592532, ClinGen allele CA673311.